The following is an entry in ClinVar:

NC_012920.1(MT-ND5):m.13495A>G

Gene: MT-ND5 (mitochondrially encoded NADH dehydrogenase 5; plus strand).
Variant type: single nucleotide variant.
Genome position: chrM-13495-A-G.
Identifiers: ClinVar variation 693564 (VCV000693564.1), dbSNP rs1603224207, ClinGen allele CA414818239.
Genomic context (GRCh38, chrMT:13,495, plus strand): 5'-CCTCTCACTTCAACCTCCCTCACCATTGGCAGCCTAGCATTAGCAGGAATACCTTTCCTC[A>G]CAGGTTTCTACTCCAAAGACCACATCATCGAAACCGCAAACATATCATACACAAACGCCT-3'

ClinVar aggregate classification (germline): Uncertain significance (1 of 4 stars; one submission).

Conditions:
Leigh syndrome (NULS). Also called: Leigh's necrotizing encephalopathy; Leigh's disease; Leigh Syndrome (mtDNA deletion); Leigh Disease; Subacute necrotizing encephalopathy; Necrotizing encephalopathy infantile subacute of Leigh. Identifiers: Orphanet 506, MedGen C2931891, MONDO:0009723, OMIM 256000.

Submission:

Wong Mito Lab, Molecular and Human Genetics, Baylor College of Medicine
Classification: Uncertain significance for Leigh syndrome. Last evaluated: 2019-10-17. Review status: criteria provided, single submitter. Criteria: Modified ACMG Guidelines (Unpublished). Collection method: clinical testing. Allele origin: germline.
Comment: The NC_012920.1:m.13495A>G (YP_003024036.1:p.Thr387Ala) variant in MTND5 gene is interpretated to be a Uncertain Significance variant based on the modified ACMG guidelines (unpublished). This variant meets the following evidence codes: PP7, BP4